The following is an entry in ClinVar:

ClinVar aggregate classification (germline): Uncertain significance (1 of 4 stars; one submission).

Submission:

Labcorp Genetics (formerly Invitae), Labcorp
Classification: Uncertain significance. Last evaluated: 2024-10-29. Review status: criteria provided, single submitter. Criteria: Invitae Variant Classification Sherloc (09022015). Collection method: clinical testing. Allele origin: germline.
Comment: This sequence change creates a premature translational stop signal (p.Glu505Valfs*32) in the CDC6 gene. While this is not anticipated to result in nonsense mediated decay, it is expected to disrupt the last 56 amino acid(s) of the CDC6 protein. This variant is present in population databases (no rsID available, gnomAD 0.0009%). This variant has not been reported in the literature in individuals affected with CDC6-related conditions. In summary, the available evidence is currently insufficient to determine the role of this variant in disease. Therefore, it has been classified as a Variant of Uncertain Significance.

NM_001254.4(CDC6):c.1514_1515del (p.Glu505fs)

Gene: CDC6 (cell division cycle 6; plus strand). Cytogenetic location: 17q21.2.
Variant type: Microsatellite.
Coding change: c.1514_1515del on transcript NM_001254.4 (MANE Select); coding-DNA positions 1514 to 1515, 2 bases deleted (AG; older notation c.1514_1515delAG).
Protein change: p.Glu505fs; shifts the reading frame from glutamic acid 505.
Molecular consequence: frameshift variant.
Genome position (GRCh38, 1-based): chr17:40,301,529-40,301,530, AG deleted; deleting any 2 consecutive bases within chr17:40,301,527-40,301,530 gives the same sequence; the c. name uses the placement nearest the transcript's 3' end. VCF-style (leftmost placement, unchanged base first): chr17-40301526-CAG-C. GRCh37 (hg19) VCF-style: chr17-38457778-CAG-C.
Other names: short protein forms E505fs.
Identifiers: ClinVar variation 3625521 (VCV003625521.2).
Genomic context (GRCh38, chr17:40,301,526, plus strand): 5'-AGTTATATGAAGCCTACAGTAAAGTCTGTCGCAAACAGCAGGTGGCGGCTGTGGACCAGT[CAG>C]AGTGTTTGTCACTTTCAGGGCTCTTGGAAGCCAGGGGCATTTTAGGATTAAAGAGAAACA-3'